The following is an entry in ClinVar:

ClinVar aggregate classification (germline): Uncertain significance (1 of 4 stars; one submission).

gnomAD v4.1: 1 of 1,614,022 alleles (0.000062%); highest among the groups gnomAD compares: Non-Finnish European, 0.000085%; no homozygotes.

Submission:

Labcorp Genetics (formerly Invitae), Labcorp
Classification: Uncertain significance. Last evaluated: 2024-10-02. Review status: criteria provided, single submitter. Criteria: Invitae Variant Classification Sherloc (09022015). Collection method: clinical testing. Allele origin: germline.
Comment: This sequence change replaces alanine, which is neutral and non-polar, with valine, which is neutral and non-polar, at codon 279 of the MBD4 protein (p.Ala279Val). This variant is not present in population databases (gnomAD no frequency). This variant has not been reported in the literature in individuals affected with MBD4-related conditions. An algorithm developed to predict the effect of missense changes on protein structure and function outputs the following: PolyPhen-2: "Benign". The valine amino acid residue is found in multiple mammalian species, which suggests that this missense change does not adversely affect protein function. In summary, the available evidence is currently insufficient to determine the role of this variant in disease. Therefore, it has been classified as a Variant of Uncertain Significance.

NM_001276270.2(MBD4):c.836C>T (p.Ala279Val)

Gene: MBD4 (methyl-CpG binding domain 4, DNA glycosylase; minus strand). Cytogenetic location: 3q21.3.
Variant type: single nucleotide variant.
Coding change: c.836C>T on transcript NM_001276270.2 (MANE Select); coding-DNA position 836, C replaced by T.
Protein change: p.Ala279Val; replaces alanine 279 with valine.
Molecular consequence: missense variant. On other transcripts: intron variant (1).
Genome position (GRCh38, 1-based): chr3:129,436,808, G>A on the plus strand (C>T on the coding strand, the complement: MBD4 is on the minus strand). VCF-style: chr3-129436808-G-A. GRCh37 (hg19) VCF-style: chr3-129155651-G-A.
Other names: c.836C>T, p.Ala279Val (NM_001276271.2, NM_001276272.2, NM_003925.3); c.247+1000C>T (NM_001276273.2); short protein forms A279V.
Identifiers: ClinVar variation 3721866 (VCV003721866.2).